The following is an entry in ClinVar:

ClinVar aggregate classification (germline): Pathogenic. Review status: criteria provided, multiple submitters, no conflicts (2 of 4 stars). 8 submissions from 8 submitters: Pathogenic (7). 1 of the submissions does not count toward it. Last evaluated 2026-04-22.

Conditions:
PTS-related disorder. Also called: PTS-related condition.
6-Pyruvoyl-tetrahydrobiopterin synthase deficiency. Also called: 6-Pyruvoyltetrahydropterin Synthase Deficiency; HYPERPHENYLALANINEMIA, TETRAHYDROBIOPTERIN-DEFICIENT, DUE TO PTS DEFICIENCY; Hyperphenylalanemia, BH4-deficient, A; Hyperphenylalaninemia due to 6-pyruvoyl-tetrahydropterin synthase deficiency; BH4-deficient hyperphenylalaninemia A; PTS-Related Tetrahydrobiopterin Deficiency. Identifiers: Orphanet 13, Orphanet 238583, MedGen C0878676, MONDO:0009863, OMIM 261640.

Allele frequency attached by ClinVar (database versions not stated): gnomAD 0.00001; gnomAD exomes 0.00001; TOPMed 0.00001; ExAC 0.00002.
gnomAD v4.1: 14 of 1,613,882 alleles (0.00087%); highest among the groups gnomAD compares: Admixed American, 0.0033%; no homozygotes.

Submissions (8):

Department of Molecular Genetics, Istishari Arab Hospital
Classification: Pathogenic for 6-Pyruvoyl-tetrahydrobiopterin synthase deficiency. Last evaluated: 2026-04-22. Review status: criteria provided, single submitter. Criteria: ACMG Guidelines, 2015. Collection method: clinical testing. Allele origin: germline. Inheritance: Autosomal recessive inheritance. Affected: yes.
Comment: The PTS variant c.260C>T p.(Pro87Leu) causes an amino acid change from Pro to Leu at position 87. According to HGMD Professional 2020.3, this variant has previously been described as disease-causing for Hyperphenylalaninaemia by Oppliger et al., 1995 (PMID: 7493990), Dudesek et al., 2001 (PMID: 11388593), and Xiong et al., 2015 (PMID: 25525159). It is classified as pathogenic according to the recommendations of ACMG/AMP/ClinGen SVI guidelines.

Women's Health and Genetics/Laboratory Corporation of America, LabCorp
Classification: Pathogenic for 6-Pyruvoyl-tetrahydrobiopterin synthase deficiency. Last evaluated: 2025-11-26. Review status: criteria provided, single submitter. Criteria: LabCorp Variant Classification Summary - May 2015. Collection method: clinical testing. Allele origin: germline.
Comment: Variant summary: PTS c.260C>T (p.Pro87Leu) results in a non-conservative amino acid change in the encoded protein sequence. Algorithms developed to predict the effect of missense changes on protein structure and function all suggest that this variant is likely to be disruptive. The variant allele was found at a frequency of 8e-06 in 251448 control chromosomes. c.260C>T has been observed in multiple individuals affected with 6-Pyruvoyl-Tetrahydropterin Synthase Deficiency (e.g. Oppliger_1995, Imamura_1999). These data indicate that the variant is very likely to be associated with disease. At least one publication reports experimental evidence evaluating an impact on protein function. The most pronounced variant effect results in a moderate reduction of normal PTPS activity in COS cells (e.g. Oppliger_1995, Imamura_1999). The following publications have been ascertained in the context of this evaluation (PMID: 7493990, 10319579). ClinVar contains an entry for this variant (Variation ID: 553829). Based on the evidence outlined above, the variant was classified as pathogenic.

Natera, Inc.
Classification: Pathogenic for 6-Pyruvoyl-tetrahydrobiopterin synthase deficiency. Last evaluated: 2025-09-29. Review status: criteria provided, single submitter. Criteria: Natera Variant Classification Schema (03/2026). Collection method: clinical testing. Allele origin: germline.
Comment: The c.260C>T variant in PTS is a missense variant predicted to cause substitution of proline to leucine at amino acid 87. This variant is rare in the general population with a frequency below the threshold expected for the associated phenotype(s). This variant has been observed in one or more individuals affected with the associated recessive disease, as either homozygous or compound heterozygous with a second variant (PMID: 7493990, 20059486, 11388593). Functional studies show that this variant may disrupt protein function (PMID: 7493990, 11388593). A different variant at the same position has been determined to be Pathogenic or Likely Pathogenic. Given the available evidence, this variant is classified as Pathogenic.

Labcorp Genetics (formerly Invitae), Labcorp
Classification: Pathogenic for 6-Pyruvoyl-tetrahydrobiopterin synthase deficiency. Last evaluated: 2024-03-13. Review status: criteria provided, single submitter. Criteria: Invitae Variant Classification Sherloc (09022015). Collection method: clinical testing. Allele origin: germline.
Comment: This sequence change replaces proline, which is neutral and non-polar, with leucine, which is neutral and non-polar, at codon 87 of the PTS protein (p.Pro87Leu). This variant is present in population databases (rs765406631, gnomAD 0.002%). This missense change has been observed in individual(s) with biopterin deficient hyperphenylalanemia (PMID: 7493990, 10319579, 11388593, 11694255, 19350512). ClinVar contains an entry for this variant (Variation ID: 553829). An algorithm developed to predict the effect of missense changes on protein structure and function (PolyPhen-2) suggests that this variant is likely to be tolerated. Experimental studies have shown that this missense change affects PTS function (PMID: 7493990, 10319579, 11388593). For these reasons, this variant has been classified as Pathogenic.

Blueprint Genetics
Classification: Pathogenic for PTS-related disorders. Last evaluated: 2022-10-05. Review status: criteria provided, single submitter. Criteria: ACMG Guidelines, 2015. Collection method: clinical testing. Allele origin: germline. Affected: yes. Observed: 3 variant alleles.

Genome-Nilou Lab
Classification: Pathogenic for 6-Pyruvoyl-tetrahydrobiopterin synthase deficiency. Last evaluated: 2021-09-05. Review status: criteria provided, single submitter. Criteria: ACMG Guidelines, 2015. Collection method: clinical testing. Allele origin: germline. Affected: no.

CeGaT Center for Human Genetics Tuebingen
Classification: Pathogenic. Last evaluated: 2017-08-01. Review status: criteria provided, single submitter. Criteria: CeGaT Center For Human Genetics Tuebingen Variant Classification Criteria Version 2. Collection method: clinical testing. Allele origin: germline. Affected: yes. Observed: 1 variant allele.

Counsyl
Classification: Likely pathogenic for 6-Pyruvoyl-tetrahydrobiopterin synthase deficiency. Last evaluated: 2017-09-13. Review status: no assertion criteria provided. Collection method: clinical testing. Allele origin: unknown. Not counted in ClinVar's aggregate classification.

Literature cited by the submitters: PubMed 7493990 (cited by 5 submitters); PubMed 11388593 (cited by 4 submitters); PubMed 25525159 (cited by Department of Molecular Genetics, Istishari Arab Hospital); PubMed 10319579 (cited by Women's Health and Genetics/Laboratory Corporation of America, LabCorp and Labcorp Genetics (formerly Invitae), Labcorp); PubMed 20059486 (cited by Natera, Inc. and Counsyl); PubMed 11694255 (cited by Labcorp Genetics (formerly Invitae), Labcorp); PubMed 19350512 (cited by Labcorp Genetics (formerly Invitae), Labcorp); PubMed 23138986 (cited by Counsyl).

NM_000317.3(PTS):c.260C>T (p.Pro87Leu)

Gene: PTS (6-pyruvoyltetrahydropterin synthase; plus strand). Cytogenetic location: 11q23.1.
Variant type: single nucleotide variant.
Coding change: c.260C>T on transcript NM_000317.3 (MANE Select); coding-DNA position 260, C replaced by T.
Protein change: p.Pro87Leu; replaces proline 87 with leucine.
Molecular consequence: missense variant.
Genome position (GRCh38, 1-based): chr11:112,233,179, C>T. VCF-style: chr11-112233179-C-T. GRCh37 (hg19) VCF-style: chr11-112103902-C-T.
Other names: p.Pro87Leu; short protein forms P87L.
Identifiers: ClinVar variation 553829 (VCV000553829.58), dbSNP rs765406631, ClinGen allele CA6278560.